The following is an entry in ClinVar:

NM_003280.3(TNNC1):c.480G>A (p.Val160=)

Gene: TNNC1 (troponin C1, slow skeletal and cardiac type; minus strand). Cytogenetic location: 3p21.1.
Variant type: single nucleotide variant.
Coding change: c.480G>A on transcript NM_003280.3 (MANE Select); coding-DNA position 480, G replaced by A.
Protein change: p.Val160=; no amino-acid change (valine 160 retained).
Molecular consequence: synonymous variant.
Genome position (GRCh38, 1-based): chr3:52,451,281, C>T on the plus strand (G>A on the coding strand, the complement: TNNC1 is on the minus strand). VCF-style: chr3-52451281-C-T. GRCh37 (hg19) VCF-style: chr3-52485297-C-T.
Identifiers: ClinVar variation 179485 (VCV000179485.12), dbSNP rs727504896, ClinGen allele CA184516.

ClinVar aggregate classification (germline): Likely benign. Review status: criteria provided, multiple submitters, no conflicts (2 of 4 stars). 2 submissions from 2 submitters: Likely benign (2). Last evaluated 2020-07-20.

Conditions:
Dilated cardiomyopathy 1Z (CMD1Z). Identifiers: Orphanet 154, MedGen C2678475, MONDO:0012745, OMIM 611879.
Hypertrophic cardiomyopathy 13. Also called: TNNC1-Related Familial Hypertrophic Cardiomyopathy. Identifiers: MedGen C2750472, MONDO:0013195, OMIM 613243.

Submissions (2):

Labcorp Genetics (formerly Invitae), Labcorp
Classification: Likely benign for Hypertrophic cardiomyopathy 13; Dilated cardiomyopathy 1Z. Last evaluated: 2020-07-20. Review status: criteria provided, single submitter. Criteria: Invitae Variant Classification Sherloc (09022015). Collection method: clinical testing. Allele origin: germline.

Laboratory for Molecular Medicine, Mass General Brigham Personalized Medicine
Classification: Likely benign. Last evaluated: 2014-01-24. Review status: criteria provided, single submitter. Criteria: LMM Criteria. Collection method: clinical testing. Allele origin: germline. Observed: 1 variant allele.
Comment: Val160Val in exon 6 of TNNC1: This variant is not expected to have clinical sign ificance because it does not alter an amino acid residue and is not located with in the splice consensus sequence. Val160Val in exon 6 of TNNC1 (allele frequenc y = n/a)